The following is an entry in ClinVar:

NM_001145358.2(SIN3A):c.1891C>T (p.Arg631Trp)

Gene: SIN3A (SIN3 transcription regulator family member A; minus strand). Cytogenetic location: 15q24.2.
Variant type: single nucleotide variant.
Coding change: c.1891C>T on transcript NM_001145358.2 (MANE Select); coding-DNA position 1891, C replaced by T.
Protein change: p.Arg631Trp; replaces arginine 631 with tryptophan.
Molecular consequence: missense variant.
Genome position (GRCh38, 1-based): chr15:75,396,460, G>A on the plus strand (C>T on the coding strand, the complement: SIN3A is on the minus strand). VCF-style: chr15-75396460-G-A. GRCh37 (hg19) VCF-style: chr15-75688801-G-A.
Other names: c.1891C>T, p.Arg631Trp (NM_001145357.2, NM_001437462.1, NM_001437463.1 and 1 more transcripts); short protein forms R631W.
Identifiers: ClinVar variation 4539890 (VCV004539890.2).

ClinVar aggregate classification (germline): Uncertain significance (1 of 4 stars; one submission).

gnomAD v4.1: 1 of 1,613,914 alleles (0.000062%); highest among the groups gnomAD compares: Non-Finnish European, 0.000085%; no homozygotes.

Submission:

GeneDx
Classification: Uncertain significance. Last evaluated: 2026-03-21. Review status: criteria provided, single submitter. Criteria: GeneDx Variant Classification Process June 2021. Collection method: clinical testing. Allele origin: germline.
Comment: Not observed at significant frequency in large population cohorts (gnomAD); In silico analysis supports that this missense variant has a deleterious effect on protein structure/function; Has not been previously published as pathogenic or benign to our knowledge